The following is an entry in ClinVar:

NM_173076.3(ABCA12):c.7172G>A (p.Ser2391Asn)

Genes: ABCA12 (ATP binding cassette subfamily A member 12; minus strand), SNHG31 (small nucleolar RNA host gene 31; plus strand). Cytogenetic location: 2q35.
Variant type: single nucleotide variant.
Coding change: c.7172G>A on transcript NM_173076.3 (MANE Select); coding-DNA position 7172, G replaced by A.
Protein change: p.Ser2391Asn; replaces serine 2391 with asparagine.
Molecular consequence: missense variant. On other transcripts: non-coding transcript variant (1).
Genome position (GRCh38, 1-based): chr2:214,947,489, C>T on the plus strand (G>A on the coding strand, the complement: ABCA12 is on the minus strand). VCF-style: chr2-214947489-C-T. GRCh37 (hg19) VCF-style: chr2-215812213-C-T.
Other names: c.6218G>A, p.Ser2073Asn (NM_015657.4); short protein forms S2391N, S2073N.
Identifiers: ClinVar variation 427219 (VCV000427219.2), dbSNP rs1085308032, ClinGen allele CA350793936.
Genomic context (GRCh38, chr2:214,947,489, plus strand): 5'-AGAATGGAAGGTTTCCCTATCAAGGCCAGTGCAGTGGATAATTTTCTTTTTGTGCCATAA[C>T]TGCACATAGAGGTAGCTCTGTCCTTGAAGGGCATCAGGTGAAGTCTCCTAAGGAGTTTAT-3'
Protein context (NP_775099.2, residues 2381-2401): PFKDRATSMC[Ser2391Asn]YGTKRKLSTA

ClinVar aggregate classification (germline): Likely pathogenic (1 of 4 stars; one submission).

gnomAD v4.1: 8 of 1,613,956 alleles (0.0005%); highest among the groups gnomAD compares: Non-Finnish European, 0.00068%; no homozygotes.

Submission:

GeneDx
Classification: Likely pathogenic. Last evaluated: 2015-08-14. Review status: criteria provided, single submitter. Criteria: GeneDx Variant Classification (06012015). Collection method: clinical testing. Allele origin: germline. Affected: yes.
Comment: The S2391N variant in the ABCA12 gene has not been published as a pathogenic variant, nor has it been reported as a benign polymorphism to our knowledge. It was not observed in approximately 6,500 individuals of European and African American ancestry in the NHLBI Exome Sequencing Project, indicating it is not a common benign variant in these populations. S2391N is a conservative amino acid substitution, which is not likely to impact secondary protein structure as these residues share similar properties. However, this substitution occurs at a position that is conserved across species and in-silico analysis predicts this variant is probably damaging to the protein structure/function. The S2391N variant is a strong candidate for a disease-causing variant, however the possibility it may be a rare benign variant cannot be excluded.